The following is an entry in ClinVar:

ClinVar aggregate classification (germline): Uncertain significance. Review status: criteria provided, multiple submitters, no conflicts (2 of 4 stars). 3 submissions from 2 submitters: Uncertain significance (3). Last evaluated 2018-07-06.

Conditions:
Monogenic diabetes. Identifiers: Orphanet 183625, MedGen C3888631, MONDO:0015967.
Maturity-onset diabetes of the young (MODY). Also called: Maturity onset diabetes mellitus in young. Identifiers: Orphanet 552, MedGen C0342276, MONDO:0018911, HP:0004904.
Transitory neonatal diabetes mellitus. Also called: Transient neonatal diabetes mellitus. Identifiers: MedGen C0342273, MONDO:0020525, HP:0008255.

Allele frequency attached by ClinVar (database versions not stated): gnomAD exomes below 0.00001; ExAC 0.00001.
gnomAD v4.1: 1 of 1,614,092 alleles (0.000062%); highest among the groups gnomAD compares: Non-Finnish European, 0.000085%; no homozygotes.

Submissions (3):

Personalized Diabetes Medicine Program, University of Maryland School of Medicine
Classification: Uncertain significance for Monogenic diabetes. Last evaluated: 2018-07-06. Review status: criteria provided, single submitter. Criteria: ACMG Guidelines, 2015. Collection method: research. Allele origin: unknown. Observed: 1 variant allele, 1 heterozygote.
Comment: ACMG criteria: PP3 (REVEL score 0.722 + 8 predictors), PM2 (1 individual in gnomAD)= VUS note: possible functional domain (7th helix of transmembrane domain, another variant in this domain Y356C is associated with adult onset T2DM and functional studies showed relatively (to NDM variants) mild effects on channel activity, PMID: 18346985 but there is some variation in region in gnomAD)

Clinical Genomics, Uppaluri K&H Personalized Medicine Clinic
Classification: Uncertain significance for Maturity-onset diabetes of the young. Review status: criteria provided, single submitter. Criteria: K & H Uppaluri Personalized Medicine Clinic Variant Classification & Assertion Criteria_Updated V.1. Collection method: research. Allele origin: unknown. Inheritance: Autosomal dominant inheritance.
Comment: Mutations in ABCC8 gene are associated with both neonatal diabetes mellitus as well as MODY. Patients with this mutation may have a better response to sulfonylureas. However, no sufficient evidence is found to ascertain the role of this particular variant ( rs777461294) in MODY yet.

Clinical Genomics, Uppaluri K&H Personalized Medicine Clinic
Classification: Uncertain significance for Transitory neonatal diabetes mellitus. Review status: criteria provided, single submitter. Criteria: K & H Uppaluri Personalized Medicine Clinic Variant Classification & Assertion Criteria_Updated V.1. Collection method: research. Allele origin: unknown.
Comment: Mutations in ABCC8 gene are associated with both neonatal diabetes mellitus as well as MODY. Patients with this mutation may have a better response to sulfonylureas. However, no sufficient evidence is found to ascertain the role of this particular variant ( rs777461294) in neonatal diabetes yet.

Literature cited by the submitters: PubMed 18346985 (cited by Personalized Diabetes Medicine Program, University of Maryland School of Medicine); PubMed 16885549 (cited by Clinical Genomics, Uppaluri K&H Personalized Medicine Clinic); PubMed 21989597 (cited by Clinical Genomics, Uppaluri K&H Personalized Medicine Clinic); PubMed 27538677 (cited by Clinical Genomics, Uppaluri K&H Personalized Medicine Clinic); PubMed 18981553 (cited by Clinical Genomics, Uppaluri K&H Personalized Medicine Clinic); PubMed 32027066 (cited by Clinical Genomics, Uppaluri K&H Personalized Medicine Clinic); PubMed 16613899 (cited by Clinical Genomics, Uppaluri K&H Personalized Medicine Clinic); PubMed 18025408 (cited by Clinical Genomics, Uppaluri K&H Personalized Medicine Clinic); PubMed 32792356 (cited by Clinical Genomics, Uppaluri K&H Personalized Medicine Clinic).

NM_000352.6(ABCC8):c.1127C>T (p.Ser376Phe)

Gene: ABCC8 (ATP binding cassette subfamily C member 8; minus strand). Cytogenetic location: 11p15.1.
Variant type: single nucleotide variant.
Coding change: c.1127C>T on transcript NM_000352.6 (MANE Select); coding-DNA position 1127, C replaced by T.
Protein change: p.Ser376Phe; replaces serine 376 with phenylalanine.
Molecular consequence: missense variant. On other transcripts: non-coding transcript variant (1).
Genome position (GRCh38, 1-based): chr11:17,453,168, G>A on the plus strand (C>T on the coding strand, the complement: ABCC8 is on the minus strand). VCF-style: chr11-17453168-G-A. GRCh37 (hg19) VCF-style: chr11-17474715-G-A.
Other names: c.1127C>T, p.Ser376Phe (NM_001287174.3, NM_001351295.2); c.1124C>T, p.Ser375Phe (NM_001351296.2, NM_001351297.2); short protein forms S375F, S376F.
Identifiers: ClinVar variation 917422 (VCV000917422.3), dbSNP rs777461294, ClinGen allele CA5903669.